The following is an entry in ClinVar:

ClinVar aggregate classification (germline): Uncertain significance (1 of 4 stars; one submission).

Conditions:
Encephalopathy, acute, infection-induced (herpes-specific), susceptibility to, 6. Also called: Herpes simplex encephalitis, susceptibility to, 4. Identifiers: Orphanet 1930, MedGen C3553869, MONDO:0013921, OMIM 614850.

Submission:

Labcorp Genetics (formerly Invitae), Labcorp
Classification: Uncertain significance for Encephalopathy, acute, infection-induced (herpes-specific), susceptibility to, 6. Last evaluated: 2019-07-29. Review status: criteria provided, single submitter. Criteria: Invitae Variant Classification Sherloc (09022015). Collection method: clinical testing. Allele origin: germline.
Comment: In summary, the available evidence is currently insufficient to determine the role of this variant in disease. Therefore, it has been classified as a Variant of Uncertain Significance. Algorithms developed to predict the effect of missense changes on protein structure and function output the following: SIFT: "Tolerated"; PolyPhen-2: "Benign"; Align-GVGD: "Class C0". The isoleucine amino acid residue is found in multiple mammalian species, suggesting that this missense change does not adversely affect protein function. These predictions have not been confirmed by published functional studies and their clinical significance is uncertain. This variant has not been reported in the literature in individuals with TICAM1-related conditions. This variant is not present in population databases (ExAC no frequency). This sequence change replaces threonine with isoleucine at codon 640 of the TICAM1 protein (p.Thr640Ile). The threonine residue is weakly conserved and there is a moderate physicochemical difference between threonine and isoleucine.

NM_182919.4(TICAM1):c.1919C>T (p.Thr640Ile)

Gene: TICAM1 (TIR domain containing adaptor molecule 1; minus strand). Cytogenetic location: 19p13.3.
Variant type: single nucleotide variant.
Coding change: c.1919C>T on transcript NM_182919.4 (MANE Select); coding-DNA position 1919, C replaced by T.
Protein change: p.Thr640Ile; replaces threonine 640 with isoleucine.
Molecular consequence: missense variant.
Genome position (GRCh38, 1-based): chr19:4,816,459, G>A on the plus strand (C>T on the coding strand, the complement: TICAM1 is on the minus strand). VCF-style: chr19-4816459-G-A. GRCh37 (hg19) VCF-style: chr19-4816471-G-A.
Other names: short protein forms T640I.
Identifiers: ClinVar variation 944357 (VCV000944357.10), dbSNP rs945545750, ClinGen allele CA403488549.
Genomic context (GRCh38, chr19:4,816,459, plus strand): 5'-GACTGCGGGAAGGGCAGTGACTGTGGAAAGGCTGCTGGCTGTGGGGAGGGCGGTGGGGGG[G>A]TGCCAGCCTGCCATGCGTGCAGGGGTGGCGGCTGCGGGCACCCCGGCCAAGTGGGAAAGG-3'
Protein context (NP_891549.1, residues 630-650): PPPLHAWQAG[Thr640Ile]PPPPSPQPAA